The following is an entry in ClinVar:

NM_000528.4(MAN2B1):c.1370T>A (p.Val457Glu)

Genes: MAN2B1 (mannosidase alpha class 2B member 1; minus strand), LOC129391064 (MPRA-validated peak3365 silencer; plus strand). Cytogenetic location: 19p13.13.
Variant type: single nucleotide variant.
Coding change: c.1370T>A on transcript NM_000528.4 (MANE Select); coding-DNA position 1370, T replaced by A.
Protein change: p.Val457Glu; replaces valine 457 with glutamic acid.
Molecular consequence: missense variant.
Genome position (GRCh38, 1-based): chr19:12,657,495, A>T on the plus strand (T>A on the coding strand, the complement: MAN2B1 is on the minus strand). VCF-style: chr19-12657495-A-T. GRCh37 (hg19) VCF-style: chr19-12768309-A-T.
Other names: c.1367T>A, p.Val456Glu (NM_001173498.2); short protein forms V457E, V456E.
Identifiers: ClinVar variation 208269 (VCV000208269.2), dbSNP rs864621985, ClinGen allele CA350905.
Genomic context (GRCh38, chr19:12,657,495, plus strand): 5'-GCCCCGCGCACCTCGCAAGGCCCCCAGCCTGCCGCAAGCTGGCGCGCGTAGTCGTTGGCC[A>T]CGTGCTGGCGGGAGGTGCCGCTGACGGCGTCGTGATGCTGGAGCACAGCCATCGCCTCAT-3'
Protein context (NP_000519.2, residues 447-467): DAVSGTSRQH[Val457Glu]ANDYARQLAA

ClinVar aggregate classification (germline): Likely pathogenic. Review status: criteria provided, single submitter (1 of 4 stars). 2 submissions from 2 submitters: Likely pathogenic (1). 1 of the submissions does not count toward it. Last evaluated 2026-02-25.

Conditions:
Deficiency of alpha-mannosidase (MANSA). Also called: LYSOSOMAL ALPHA-D-MANNOSIDASE DEFICIENCY; Mannosidosis, alpha-, types I and II; Alpha-Mannosidosis. Identifiers: Orphanet 61, MedGen C0024748, MONDO:0009561, OMIM 248500.

Submissions (2):

North West Genomic Laboratory Hub, Manchester University NHS Foundation Trust
Classification: Likely pathogenic for Deficiency of alpha-mannosidase. Last evaluated: 2026-02-25. Review status: criteria provided, single submitter. Criteria: ACGS Best Practice Guidelines for Variant Classification in Rare Disease 2024. Collection method: clinical testing. Allele origin: germline. Affected: yes.
Comment: PP3_Supp PS3_Supp PM3_Mod PM2_Mod

ClinVar Staff, National Center for Biotechnology Information (NCBI)
Classification: Uncertain significance for Deficiency of alpha-mannosidase. Last evaluated: 2012-06-07. Review status: no assertion criteria provided. Collection method: literature only. Allele origin: germline. Affected: yes. Not counted in ClinVar's aggregate classification.

Literature cited by the submitters: PubMed 22161967 (cited by ClinVar Staff, National Center for Biotechnology Information (NCBI)).